The following is an entry in ClinVar:

ClinVar aggregate classification (germline): Pathogenic/Likely pathogenic. Review status: criteria provided, multiple submitters, no conflicts (2 of 4 stars). 2 submissions from 2 submitters: Pathogenic (1); Likely pathogenic (1). Last evaluated 2024-06-03.

Conditions:
Retinitis pigmentosa 25 (RP25). Identifiers: Orphanet 791, MedGen C1864446, MONDO:0011272, OMIM 602772.

Submissions (2):

Natera, Inc.
Classification: Likely pathogenic for Retinitis pigmentosa type 25. Last evaluated: 2024-06-03. Review status: criteria provided, single submitter. Criteria: Natera Variant Classification Schema (03/2026). Collection method: clinical testing. Allele origin: germline.
Comment: The c.8327dup variant in EYS is a frameshift variant predicted to shift the reading frame beginning at codon 2777 and leads to a stop codon 35 codons downstream. This variant is expected to result in nonsense mediated decay, truncation, or a dysfunctional protein product. This variant is rare in the general population with a frequency below the threshold expected for the associated phenotype(s). Given the available evidence, this variant is classified as Likely Pathogenic.

Labcorp Genetics (formerly Invitae), Labcorp
Classification: Pathogenic. Last evaluated: 2021-03-01. Review status: criteria provided, single submitter. Criteria: Invitae Variant Classification Sherloc (09022015). Collection method: clinical testing. Allele origin: germline.
Comment: For these reasons, this variant has been classified as Pathogenic. This variant disrupts the C-terminus of the EYS protein. Other variant(s) that disrupt this region (p.Tyr3135*, also known as p.Y3156X) have been determined to be pathogenic (PMID: 18976725, 31074760, 29159838, 30337596). This suggests that variants that disrupt this region of the protein are likely to be causative of disease. This variant has not been reported in the literature in individuals with EYS-related conditions. This variant is not present in population databases (ExAC no frequency). This sequence change creates a premature translational stop signal (p.Thr2777Asnfs*35) in the EYS gene. While this is not anticipated to result in nonsense mediated decay, it is expected to disrupt the last 368 amino acid(s) of the EYS protein.

Literature cited by the submitters: PubMed 18976725 (cited by Labcorp Genetics (formerly Invitae), Labcorp); PubMed 31074760 (cited by Labcorp Genetics (formerly Invitae), Labcorp); PubMed 29159838 (cited by Labcorp Genetics (formerly Invitae), Labcorp); PubMed 30337596 (cited by Labcorp Genetics (formerly Invitae), Labcorp).

NM_001142800.2(EYS):c.8327dup (p.Thr2777fs)

Genes: EYS (EGF-like photoreceptor maintenance factor; minus strand), PHF3 (PHD finger protein 3; plus strand). Cytogenetic location: 6q12.
Variant type: Duplication.
Coding change: c.8327dup on transcript NM_001142800.2 (MANE Select); coding-DNA position 8327, one base duplicated (T; older notation c.8327dupT).
Protein change: p.Thr2777fs; shifts the reading frame from threonine 2777.
Molecular consequence: frameshift variant. On other transcripts: 3 prime UTR variant (5).
Genome position (GRCh38, 1-based): chr6:63,721,704, A duplicated on the plus strand (T on the coding strand, the reverse complement: EYS is on the minus strand). VCF-style (leftmost placement, unchanged base first): chr6-63721703-T-TA. GRCh37 (hg19) VCF-style: chr6-64431599-T-TA.
Other names: c.*7996dup (NM_001290259.2, NM_001370348.2, NM_001370349.2 and 2 more transcripts); c.8390dup, p.Thr2798fs (NM_001292009.2); c.8327dup (NM_001142800.1); short protein forms T2777fs, T2798fs.
Identifiers: ClinVar variation 1451708 (VCV001451708.9), dbSNP rs2149625531, ClinGen allele CA2573141300.
Genomic context (GRCh38, chr6:63,721,703, plus strand): 5'-GTAGCCTTCTGCACCAACTCTTCCTGCTTTTATTATATGCCAAGTACTTCCGTTTATAGT[T>TA]ACTTTTTGGAGAGTTTCTAGAATGATAGTTCTGTCGCCAAGGTTGTAGCGAAGTTGAACG-3'